The following is an entry in ClinVar:

ClinVar aggregate classification (germline): Uncertain significance (1 of 4 stars; one submission).

Submission:

Labcorp Genetics (formerly Invitae), Labcorp
Classification: Uncertain significance. Last evaluated: 2025-07-31. Review status: criteria provided, single submitter. Criteria: Invitae Variant Classification Sherloc (09022015). Collection method: clinical testing. Allele origin: germline.
Comment: This sequence change replaces aspartic acid, which is acidic and polar, with histidine, which is basic and polar, at codon 603 of the COL9A3 protein (p.Asp603His). This variant is present in population databases (no rsID available, gnomAD 0.01%). This variant has not been reported in the literature in individuals affected with COL9A3-related conditions. ClinVar contains an entry for this variant (Variation ID: 1474556). Invitae Evidence Modeling of protein sequence and biophysical properties (such as structural, functional, and spatial information, amino acid conservation, physicochemical variation, residue mobility, and thermodynamic stability) indicates that this missense variant is not expected to disrupt COL9A3 protein function with a negative predictive value of 95%. In summary, the available evidence is currently insufficient to determine the role of this variant in disease. Therefore, it has been classified as a Variant of Uncertain Significance.

NM_001853.4(COL9A3):c.1807G>C (p.Asp603His)

Gene: COL9A3 (collagen type IX alpha 3 chain; plus strand). Cytogenetic location: 20q13.33.
Variant type: single nucleotide variant.
Coding change: c.1807G>C on transcript NM_001853.4 (MANE Select); coding-DNA position 1807, G replaced by C.
Protein change: p.Asp603His; replaces aspartic acid 603 with histidine.
Molecular consequence: missense variant.
Genome position (GRCh38, 1-based): chr20:62,838,704, G>C. VCF-style: chr20-62838704-G-C. GRCh37 (hg19) VCF-style: chr20-61470056-G-C.
Other names: short protein forms D603H.
Identifiers: ClinVar variation 1474556 (VCV001474556.6), dbSNP rs371345707, ClinGen allele CA317345815.